The following is an entry in ClinVar:

NM_178335.3(CCDC50):c.1117G>A (p.Ala373Thr)

Gene: CCDC50 (coiled-coil domain containing 50; plus strand). Cytogenetic location: 3q28.
Variant type: single nucleotide variant.
Coding change: c.1117G>A on transcript NM_178335.3 (MANE Select); coding-DNA position 1117, G replaced by A.
Protein change: p.Ala373Thr; replaces alanine 373 with threonine.
Molecular consequence: missense variant.
Genome position (GRCh38, 1-based): chr3:191,380,711, G>A. VCF-style: chr3-191380711-G-A. GRCh37 (hg19) VCF-style: chr3-191098500-G-A.
Other names: c.589G>A, p.Ala197Thr (NM_174908.4); short protein forms A197T, A373T.
Identifiers: ClinVar variation 3603202 (VCV003603202.2).
Genomic context (GRCh38, chr3:191,380,711, plus strand): 5'-ATTAAATTCTTTGTTTTTGTATTTTCGATATCATAGGCTACCCAGGTGGACATGAGAGCC[G>A]CTCAAGTAGCTCAAGATGAAGTAAGTTAATGAGTTTAGCTGATATTCTTTGGAAATATCC-3'
Protein context (NP_848018.1, residues 363-383): LLATQVDMRA[Ala373Thr]QVAQDEEIAR

ClinVar aggregate classification (germline): Uncertain significance (1 of 4 stars; one submission).

Submission:

GeneDx
Classification: Uncertain significance. Last evaluated: 2025-06-29. Review status: criteria provided, single submitter. Criteria: GeneDx Variant Classification Process June 2021. Collection method: clinical testing. Allele origin: germline.
Comment: In silico analysis supports that this missense variant has a deleterious effect on protein structure/function; Has not been previously published as pathogenic or benign to our knowledge